The following is an entry in ClinVar:

NM_000719.7(CACNA1C):c.6280C>T (p.Leu2094Phe)

Genes: CACNA1C (calcium voltage-gated channel subunit alpha1 C; plus strand), CACNA1C-AS1 (CACNA1C antisense RNA 1; minus strand). Cytogenetic location: 12p13.33.
Variant type: single nucleotide variant.
Coding change: c.6280C>T on transcript NM_000719.7 (MANE Select); coding-DNA position 6280, C replaced by T.
Protein change: p.Leu2094Phe; replaces leucine 2094 with phenylalanine.
Molecular consequence: missense variant.
Genome position (GRCh38, 1-based): chr12:2,691,062, C>T. VCF-style: chr12-2691062-C-T. GRCh37 (hg19) VCF-style: chr12-2800228-C-T.
Other names: c.6529C>T, p.Leu2177Phe (NM_199460.4); c.6424C>T, p.Leu2142Phe (NM_001129827.2); c.6403C>T, p.Leu2135Phe (NM_001129829.2); c.6385C>T, p.Leu2129Phe (NM_001129830.3, NM_001167624.3); c.6364C>T, p.Leu2122Phe (NM_001129831.2); c.6340C>T, p.Leu2114Phe (NM_001129832.2); c.6337C>T, p.Leu2113Phe (NM_001129833.2, NM_001129834.2, NM_001129835.2); c.6331C>T, p.Leu2111Phe (NM_001129836.2); and 6 more; short protein forms L2091F, L2114F, L2154F, L2083F, L2094F, L2102F, L2113F, L2122F.
Identifiers: ClinVar variation 2740240 (VCV002740240.3), dbSNP rs1227091872, ClinGen allele CA383386879.

ClinVar aggregate classification (germline): Uncertain significance (1 of 4 stars; one submission).

Conditions:
Long QT syndrome (LQTS). Identifiers: MedGen C0023976, MeSH D008133, MONDO:0002442. Disease mechanism: loss of function. Inheritance: Various modes of inheritance.

Allele frequency attached by ClinVar (database versions not stated): gnomAD exomes below 0.00001; gnomAD 0.00001; TOPMed 0.00001.
gnomAD v4.1: 6 of 1,608,882 alleles (0.00037%); highest among the groups gnomAD compares: South Asian, 0.0044%; no homozygotes.

Submission:

Labcorp Genetics (formerly Invitae), Labcorp
Classification: Uncertain significance for Long QT syndrome. Last evaluated: 2024-12-25. Review status: criteria provided, single submitter. Criteria: Invitae Variant Classification Sherloc (09022015). Collection method: clinical testing. Allele origin: germline.
Comment: This sequence change replaces leucine, which is neutral and non-polar, with phenylalanine, which is neutral and non-polar, at codon 2094 of the CACNA1C protein (p.Leu2094Phe). This variant is not present in population databases (gnomAD no frequency). This variant has not been reported in the literature in individuals affected with CACNA1C-related conditions. ClinVar contains an entry for this variant (Variation ID: 2740240). Invitae Evidence Modeling of protein sequence and biophysical properties (such as structural, functional, and spatial information, amino acid conservation, physicochemical variation, residue mobility, and thermodynamic stability) indicates that this missense variant is not expected to disrupt CACNA1C protein function with a negative predictive value of 95%. In summary, the available evidence is currently insufficient to determine the role of this variant in disease. Therefore, it has been classified as a Variant of Uncertain Significance.